The following is an entry in ClinVar:

ClinVar aggregate classification (germline): Conflicting classifications of pathogenicity. Review status: criteria provided, conflicting classifications (1 of 4 stars). 7 submissions from 7 submitters: Uncertain significance (6); Likely benign (1). Last evaluated 2025-11-24.

Conditions:
Hereditary cancer-predisposing syndrome. Also called: Neoplastic Syndromes, Hereditary; Hereditary neoplastic syndrome; Tumor predisposition; Hereditary Cancer Syndrome. Identifiers: Orphanet 140162, MedGen C0027672, MeSH D009386, MONDO:0015356.
Familial cancer of breast. Also called: BREAST CANCER, FAMILIAL; hereditary breast carcinoma; Hereditary breast cancer. Identifiers: Orphanet 227535, MedGen C0346153, MONDO:0016419, OMIM 114480. Disease mechanism: loss of function.

Allele frequency attached by ClinVar (database versions not stated): gnomAD exomes below 0.00001 and 0.00001; TOPMed 0.00001.
gnomAD v4.1: 7 of 1,614,198 alleles (0.00043%); highest among the groups gnomAD compares: Non-Finnish European, 0.00059%; no homozygotes.

Submissions (7):

Labcorp Genetics (formerly Invitae), Labcorp
Classification: Uncertain significance for Familial cancer of breast. Last evaluated: 2025-11-24. Review status: criteria provided, single submitter. Criteria: Invitae Variant Classification Sherloc (09022015). Collection method: clinical testing. Allele origin: germline.
Comment: This sequence change replaces threonine, which is neutral and polar, with alanine, which is neutral and non-polar, at codon 716 of the BARD1 protein (p.Thr716Ala). This variant is present in population databases (no rsID available, gnomAD 0.002%). This missense change has been observed in individual(s) with multiple schwannomas or breast cancer (PMID: 28051113, 35595798). ClinVar contains an entry for this variant (Variation ID: 237830). An algorithm developed to predict the effect of missense changes on protein structure and function (PolyPhen-2) suggests that this variant is likely to be tolerated. In summary, the available evidence is currently insufficient to determine the role of this variant in disease. Therefore, it has been classified as a Variant of Uncertain Significance.

Color Diagnostics, LLC DBA Color Health
Classification: Likely benign for Hereditary cancer-predisposing syndrome. Last evaluated: 2025-05-28. Review status: criteria provided, single submitter. Criteria: ACMG Guidelines, 2015. Collection method: clinical testing. Allele origin: germline.

Ambry Genetics
Classification: Uncertain significance for Hereditary cancer-predisposing syndrome. Last evaluated: 2024-07-16. Review status: criteria provided, single submitter. Criteria: Ambry Variant Classification Scheme 2023. Collection method: clinical testing. Allele origin: germline.
Comment: The p.T716A variant (also known as c.2146A>G), located in coding exon 11 of the BARD1 gene, results from an A to G substitution at nucleotide position 2146. The threonine at codon 716 is replaced by alanine, an amino acid with similar properties. This amino acid position is well conserved in available vertebrate species. In addition, this alteration is predicted to be tolerated by in silico analysis. Based on the available evidence, the clinical significance of this variant remains unclear.

Baylor Genetics
Classification: Uncertain significance for Familial cancer of breast. Last evaluated: 2023-12-27. Review status: criteria provided, single submitter. Criteria: ACMG Guidelines, 2015. Collection method: clinical testing. Allele origin: unknown.

GeneDx
Classification: Uncertain significance. Last evaluated: 2023-08-16. Review status: criteria provided, single submitter. Criteria: GeneDx Variant Classification Process June 2021. Collection method: clinical testing. Allele origin: germline. Affected: yes.
Comment: Not observed at significant frequency in large population cohorts (gnomAD); In silico analysis supports that this missense variant has a deleterious effect on protein structure/function; Observed in an individual with multiple schwannomas (Castellanos et al., 2017); This variant is associated with the following publications: (PMID: 17550235, 28051113, 35595798)

Quest Diagnostics Nichols Institute San Juan Capistrano
Classification: Uncertain significance. Last evaluated: 2023-01-19. Review status: criteria provided, single submitter. Criteria: Quest Diagnostics criteria. Collection method: clinical testing. Allele origin: unknown.
Comment: The frequency of this variant in the general population, 0.000008 (2/251362 chromosomes), is uninformative in assessment of its pathogenicity. In the published literature, the variant has been reported in an individual with Schwannomatosis (PMID: 28051113 (2017)). In a large-scale breast cancer association study, the variant was observed in an individual with breast cancer (PMID: 33471991 (2021), see also LOVD). Analysis of this variant using bioinformatics tools for the prediction of the effect of amino acid changes on protein structure and function yielded predictions that this variant is benign or damaging. Based on the available information, we are unable to determine the clinical significance of this variant.

Women's Health and Genetics/Laboratory Corporation of America, LabCorp
Classification: Uncertain significance. Last evaluated: 2017-10-12. Review status: criteria provided, single submitter. Criteria: LabCorp Variant Classification Summary - May 2015. Collection method: clinical testing. Allele origin: germline.
Comment: Variant summary: The BARD1 c.2146A>G (p.Thr716Ala) variant located in the BRCT domain (via InterPro) involves the alteration of a conserved nucleotide and 2/4 in silico tools predict a benign outcome for this variant (SNPsandGO not captured due to low reliability index). However, these predictions have yet to be functionally assessed. This variant was found in 2/246126 control chromosomes (gnomAD) at a frequency of 0.0000081, which does not exceed the estimated maximal expected allele frequency of a pathogenic BARD1 variant (0.0002188). A publication, Castellanos_2017, cites the variant in a pt presenting with multiple schwannomas, who also carried other potentially deleterious variants and authors classify the variant of interest as neutral. A clinical diagnostic laboratory classified this variant as uncertain significance. Taken together, this variant is classified as a "Variant of Uncertain Significance (VUS)," until additional information becomes available.

Literature cited by the submitters: PubMed 28051113 (cited by 3 submitters); PubMed 35595798 (cited by Labcorp Genetics (formerly Invitae), Labcorp); PubMed 33471991 (cited by Quest Diagnostics Nichols Institute San Juan Capistrano).

NM_000465.4(BARD1):c.2146A>G (p.Thr716Ala)

Gene: BARD1 (BRCA1 associated RING domain 1; minus strand). Cytogenetic location: 2q35.
Variant type: single nucleotide variant.
Coding change: c.2146A>G on transcript NM_000465.4 (MANE Select); coding-DNA position 2146, A replaced by G.
Protein change: p.Thr716Ala; replaces threonine 716 with alanine.
Molecular consequence: missense variant. On other transcripts: non-coding transcript variant (3).
Genome position (GRCh38, 1-based): chr2:214,728,864, T>C on the plus strand (A>G on the coding strand, the complement: BARD1 is on the minus strand). VCF-style: chr2-214728864-T-C. GRCh37 (hg19) VCF-style: chr2-215593588-T-C.
Other names: c.2089A>G, p.Thr697Ala (NM_001282543.2); c.793A>G, p.Thr265Ala (NM_001282545.2); c.736A>G, p.Thr246Ala (NM_001282548.2); c.607A>G, p.Thr203Ala (NM_001282549.2); short protein forms T716A, T265A, T246A, T203A, T697A.
Identifiers: ClinVar variation 237830 (VCV000237830.27), dbSNP rs878854006, ClinGen allele CA10581919.